The following is an entry in ClinVar:

ClinVar aggregate classification (germline): Uncertain significance (1 of 4 stars; one submission).

Submission:

Labcorp Genetics (formerly Invitae), Labcorp
Classification: Uncertain significance. Last evaluated: 2022-04-06. Review status: criteria provided, single submitter. Criteria: Invitae Variant Classification Sherloc (09022015). Collection method: clinical testing. Allele origin: germline.
Comment: This sequence change falls in intron 18 of the ERCC6 gene. It does not directly change the encoded amino acid sequence of the ERCC6 protein. Information on the frequency of this variant in the gnomAD database is not available, as this variant may be reported differently in the database. This variant has not been reported in the literature in individuals affected with ERCC6-related conditions. Experimental studies and prediction algorithms are not available or were not evaluated, and the effect of this variant on mRNA splicing is currently unknown. In summary, the available evidence is currently insufficient to determine the role of this variant in disease. Therefore, it has been classified as a Variant of Uncertain Significance.

NM_000124.4(ERCC6):c.3779-16_3779-15inv

Gene: ERCC6 (ERCC excision repair 6, chromatin remodeling factor; minus strand). Cytogenetic location: 10q11.23.
Variant type: Inversion.
Coding change: c.3779-16_3779-15inv on transcript NM_000124.4 (MANE Select).
Molecular consequence: intron variant.
Genome position: GRCh38 VCF-style: chr10-49461571-AA-TT. GRCh37 (hg19) VCF-style: chr10-50669617-AA-TT.
Other names: c.3779-16_3779-15inv (NM_001346440.2).
Identifiers: ClinVar variation 1942824 (VCV001942824.2), ClinGen allele CA2580081582.
Genomic context (GRCh38, chr10:49,461,571, plus strand): 5'-GCTCCATCCATGATGGCATCGTGCTTCATGACACTGTGCACGCCAACTAGCAAGAAAAGA[AA>TT]TAGCAAAGTGATATTTCACTCTGTATGCAAGAAAGACACTTTTCTCCTCTGTATAAGTAC-3'